The following is an entry in ClinVar:

ClinVar aggregate classification (germline): Uncertain significance (1 of 4 stars; one submission).

Submission:

GeneDx
Classification: Uncertain significance. Last evaluated: 2025-01-07. Review status: criteria provided, single submitter. Criteria: GeneDx Variant Classification Process June 2021. Collection method: clinical testing. Allele origin: germline. Affected: yes.
Comment: Not observed at significant frequency in large population cohorts (gnomAD); In silico analysis supports that this missense variant has a deleterious effect on protein structure/function; Has not been previously published as pathogenic or benign to our knowledge

NM_018426.3(TMEM63B):c.994G>T (p.Ala332Ser)

Gene: TMEM63B (transmembrane protein 63B; plus strand). Cytogenetic location: 6p21.1.
Variant type: single nucleotide variant.
Coding change: c.994G>T on transcript NM_018426.3 (MANE Select); coding-DNA position 994, G replaced by T.
Protein change: p.Ala332Ser; replaces alanine 332 with serine.
Molecular consequence: missense variant.
Genome position (GRCh38, 1-based): chr6:44,148,258, G>T. VCF-style: chr6-44148258-G-T. GRCh37 (hg19) VCF-style: chr6-44115995-G-T.
Other names: c.994G>T, p.Ala332Ser (NM_001318792.1); short protein forms A332S.
Identifiers: ClinVar variation 4055829 (VCV004055829.1).